The following is an entry in ClinVar:

NM_003560.4(PLA2G6):c.1816del (p.Glu606fs)

Gene: PLA2G6 (phospholipase A2 group VI; minus strand). Cytogenetic location: 22q13.1.
Variant type: Deletion.
Coding change: c.1816del on transcript NM_003560.4 (MANE Select); coding-DNA position 1816, one base deleted (G; older notation c.1816delG).
Protein change: p.Glu606fs; shifts the reading frame from glutamic acid 606.
Molecular consequence: frameshift variant.
Genome position (GRCh38, 1-based): chr22:38,116,138, C deleted on the plus strand (G on the coding strand, the reverse complement: PLA2G6 is on the minus strand). VCF-style (leftmost placement, unchanged base first): chr22-38116137-TC-T. GRCh37 (hg19) VCF-style: chr22-38512144-TC-T.
Other names: c.1654del, p.Glu552fs (NM_001004426.3, NM_001199562.3, NM_001349865.2 and 1 more transcripts); c.1816del, p.Glu606fs (NM_001349864.2); c.1282del, p.Glu428fs (NM_001349867.2); c.1138del, p.Glu380fs (NM_001349868.2); c.1120del, p.Glu374fs (NM_001349869.2); short protein forms E374fs, E380fs, E428fs, E552fs, E606fs.
Identifiers: ClinVar variation 2627451 (VCV002627451.1), dbSNP rs1273963356, ClinGen allele CA752969571.

ClinVar aggregate classification (germline): Likely pathogenic (1 of 4 stars; one submission).

Conditions:
Infantile neuroaxonal dystrophy (NBIA2A). Also called: Infantile neuroaxonal dystrophy 1; NEURODEGENERATION WITH BRAIN IRON ACCUMULATION 2A; SEITELBERGER DISEASE. Identifiers: Orphanet 35069, MedGen C0270724, MONDO:0024457, OMIM 256600.

Allele frequency attached by ClinVar (database versions not stated): TOPMed below 0.00001; gnomAD 0.00001.

Submission:

Neuberg Centre For Genomic Medicine, NCGM
Classification: Likely pathogenic for Infantile neuroaxonal dystrophy. Review status: criteria provided, single submitter. Criteria: ACMG Guidelines, 2015. Collection method: clinical testing. Allele origin: germline. Inheritance: Autosomal recessive inheritance. Affected: yes.
Comment: The frameshift deletion p.E606Kfs*60 in PLA2G6 (NM_003560.4) has not been reported previously as a pathogenic variant nor as a benign variant, to our knowledge. The p.E606Kfs*60 variant is novel (not in any individuals) in gnomAD Exomes and is novel (not in any individuals) in 1000 Genomes. This variant is predicted to cause loss of normal protein function through protein truncation. Loss of function mutations have been previously described to be disease causing. For these reasons, this variant has been classified as Likely Pathogenic.